The following is an entry in ClinVar:

NM_000052.7(ATP7A):c.92G>A (p.Gly31Glu)

Gene: ATP7A (ATPase copper transporting alpha; plus strand). Cytogenetic location: Xq21.1.
Variant type: single nucleotide variant.
Coding change: c.92G>A on transcript NM_000052.7 (MANE Select); coding-DNA position 92, G replaced by A.
Protein change: p.Gly31Glu; replaces glycine 31 with glutamic acid.
Molecular consequence: missense variant. On other transcripts: non-coding transcript variant (1).
Genome position (GRCh38, 1-based): chrX:77,971,733, G>A. VCF-style: chrX-77971733-G-A. GRCh37 (hg19) VCF-style: chrX-77227230-G-A.
Other names: c.92G>A (NM_000052.4); c.92G>A, p.Gly31Glu (NM_001282224.2); short protein forms G31E.
Identifiers: ClinVar variation 576488 (VCV000576488.13), dbSNP rs1569549378, ClinGen allele CA413597809.
Genomic context (GRCh38, chrX:77,971,733, plus strand): 5'-CCATTTCTGTTGAGGGTATGACTTGCAATTCCTGTGTTTGGACCATTGAGCAGCAGATTG[G>A]AAAAGTGAATGGTGTGCATCACATTAAGGTAAGTTACTCTTTGGAAACTGAAGTCAAATG-3'
Protein context (NP_000043.4, residues 21-41): SCVWTIEQQI[Gly31Glu]KVNGVHHIKV

ClinVar aggregate classification (germline): Uncertain significance. Review status: criteria provided, multiple submitters, no conflicts (2 of 4 stars). 5 submissions from 5 submitters: Uncertain significance (2). 3 of the submissions do not count toward it. Last evaluated 2025-06-20.

Conditions:
Menkes kinky-hair syndrome (MNK). Also called: Menkes Disease; Copper transport disease; Classic Menkes Disease. Identifiers: Orphanet 565, MedGen C0022716, MONDO:0010651, OMIM 309400.
Cutis laxa, X-linked (OHS). Also called: EDS IX; Occipital horn syndrome. Identifiers: Orphanet 198, MedGen C0268353, MONDO:0010572, OMIM 304150.
X-linked distal spinal muscular atrophy type 3. Also called: ATP7A-Related Distal Motor Neuropathy; NEURONOPATHY, DISTAL HEREDITARY MOTOR, X-LINKED; NEUROPATHY, DISTAL HEREDITARY MOTOR, X-LINKED; SPINAL MUSCULAR ATROPHY, DISTAL, X-LINKED RECESSIVE. Identifiers: Orphanet 139557, MedGen C1845359, MONDO:0010338, OMIM 300489.

Allele frequency attached by ClinVar (database versions not stated): gnomAD exomes below 0.00001; TOPMed below 0.00001.
gnomAD v4.1: 4 of 1,211,369 alleles (0.00033%); highest among the groups gnomAD compares: Non-Finnish European, 0.00045%; no homozygotes.

Submissions (5):

Labcorp Genetics (formerly Invitae), Labcorp
Classification: Uncertain significance for X-linked distal spinal muscular atrophy type 3; Cutis laxa, X-linked; Menkes kinky-hair syndrome. Last evaluated: 2025-06-20. Review status: criteria provided, single submitter. Criteria: Invitae Variant Classification Sherloc (09022015). Collection method: clinical testing. Allele origin: germline.
Comment: This sequence change replaces glycine, which is neutral and non-polar, with glutamic acid, which is acidic and polar, at codon 31 of the ATP7A protein (p.Gly31Glu). This variant is not present in population databases (gnomAD no frequency). This variant has not been reported in the literature in individuals affected with ATP7A-related conditions. ClinVar contains an entry for this variant (Variation ID: 576488). Invitae Evidence Modeling of protein sequence and biophysical properties (such as structural, functional, and spatial information, amino acid conservation, physicochemical variation, residue mobility, and thermodynamic stability) indicates that this missense variant is not expected to disrupt ATP7A protein function with a negative predictive value of 95%. In summary, the available evidence is currently insufficient to determine the role of this variant in disease. Therefore, it has been classified as a Variant of Uncertain Significance.

GeneDx
Classification: Uncertain significance. Last evaluated: 2023-05-24. Review status: criteria provided, single submitter. Criteria: GeneDx Variant Classification Process June 2021. Collection method: clinical testing. Allele origin: germline. Affected: yes.
Comment: Has not been previously published as pathogenic or benign to our knowledge; Not observed at significant frequency in large population cohorts (gnomAD); In silico analysis supports that this missense variant does not alter protein structure/function

Natera, Inc.
Classification: Uncertain significance for Menkes kinky hair syndrome. Last evaluated: 2020-03-04. Review status: no assertion criteria provided. Collection method: clinical testing. Allele origin: germline. Not counted in ClinVar's aggregate classification.

Clinical Genetics DNA and cytogenetics Diagnostics Lab, Erasmus MC, Erasmus Medical Center
Classification: Uncertain significance. Review status: no assertion criteria provided. Collection method: clinical testing. Allele origin: germline. Affected: yes. Study: VKGL Data-share Consensus. Not counted in ClinVar's aggregate classification.

Diagnostic Laboratory, Department of Genetics, University Medical Center Groningen
Classification: Uncertain significance. Review status: no assertion criteria provided. Collection method: clinical testing. Allele origin: germline. Affected: yes. Study: VKGL Data-share Consensus. Not counted in ClinVar's aggregate classification.